The following is an entry in ClinVar:

NM_000497.4(CYP11B1):c.1322T>G (p.Val441Gly)

Genes: CYP11B1 (cytochrome P450 family 11 subfamily B member 1; minus strand), LOC106799833 (CYP11B1 recombination region; plus strand). Cytogenetic location: 8q24.3.
Variant type: single nucleotide variant.
Coding change: c.1322T>G on transcript NM_000497.4 (MANE Select); coding-DNA position 1322, T replaced by G.
Protein change: p.Val441Gly; replaces valine 441 with glycine.
Molecular consequence: missense variant. On other transcripts: intron variant (1).
Genome position (GRCh38, 1-based): chr8:142,875,033, A>C on the plus strand (T>G on the coding strand, the complement: CYP11B1 is on the minus strand). VCF-style: chr8-142875033-A-C. GRCh37 (hg19) VCF-style: chr8-143956449-A-C.
Other names: c.1200+201T>G (NM_001026213.1); short protein forms V441G.
Identifiers: ClinVar variation 2735225 (VCV002735225.3), dbSNP rs772169059, ClinGen allele CA4905018.

ClinVar aggregate classification (germline): Pathogenic (1 of 4 stars; one submission).

Allele frequency attached by ClinVar (database versions not stated): ExAC 0.00001; gnomAD 0.00001; gnomAD exomes 0.00001.
gnomAD v4.1: 6 of 1,614,126 alleles (0.00037%); highest among the groups gnomAD compares: Non-Finnish European, 0.00051%; no homozygotes.

Submission:

Labcorp Genetics (formerly Invitae), Labcorp
Classification: Pathogenic. Last evaluated: 2026-01-21. Review status: criteria provided, single submitter. Criteria: Invitae Variant Classification Sherloc (09022015). Collection method: clinical testing. Allele origin: germline.
Comment: This sequence change replaces valine, which is neutral and non-polar, with glycine, which is neutral and non-polar, at codon 441 of the CYP11B1 protein (p.Val441Gly). This variant is present in population databases (rs772169059, gnomAD 0.0009%). This missense change has been observed in individual(s) with 11-beta-hydroxylase deficiency (PMID: 8506298, 28228528; internal data). In at least one individual the data is consistent with being in trans (on the opposite chromosome) from a pathogenic variant. ClinVar contains an entry for this variant (Variation ID: 2735225). Invitae Evidence Modeling of protein sequence and biophysical properties (such as structural, functional, and spatial information, amino acid conservation, physicochemical variation, residue mobility, and thermodynamic stability) has been performed for this missense variant. However, the output from this modeling did not meet the statistical confidence thresholds required to predict the impact of this variant on CYP11B1 protein function. Experimental studies have shown that this missense change affects CYP11B1 function (PMID: 8506298, 20089618). For these reasons, this variant has been classified as Pathogenic.

Literature cited by the submitters: PubMed 8506298; PubMed 28228528; PubMed 20089618.